The following is an entry in ClinVar:

ClinVar aggregate classification (germline): Uncertain significance. Review status: criteria provided, multiple submitters, no conflicts (2 of 4 stars). 2 submissions from 2 submitters: Uncertain significance (2). Last evaluated 2025-06-28.

Conditions:
Cardiovascular phenotype. Identifiers: MedGen CN230736.

gnomAD v4.1: 3 of 1,553,060 alleles (0.00019%); highest among the groups gnomAD compares: Non-Finnish European, 0.00026%; no homozygotes.

Submissions (2):

Ambry Genetics
Classification: Uncertain significance for Cardiovascular phenotype. Last evaluated: 2025-06-28. Review status: criteria provided, single submitter. Criteria: Ambry Variant Classification Scheme 2023. Collection method: clinical testing. Allele origin: germline.
Comment: The p.H23N variant (also known as c.67C>A), located in coding exon 1 of the CYP27A1 gene, results from a C to A substitution at nucleotide position 67. The histidine at codon 23 is replaced by asparagine, an amino acid with similar properties. This amino acid position is conserved. In addition, this alteration is predicted to be tolerated by in silico analysis. Since supporting evidence is limited at this time, the clinical significance of this alteration remains unclear.

Mayo Clinic Laboratories, Mayo Clinic
Classification: Uncertain significance. Last evaluated: 2024-07-26. Review status: criteria provided, single submitter. Criteria: ACMG Guidelines, 2015. Collection method: clinical testing. Allele origin: germline. Observed: 1 variant allele.
Comment: BP4_moderate, PM2

NM_000784.4(CYP27A1):c.67C>A (p.His23Asn)

Gene: CYP27A1 (cytochrome P450 family 27 subfamily A member 1; plus strand). Cytogenetic location: 2q35.
Variant type: single nucleotide variant.
Coding change: c.67C>A on transcript NM_000784.4 (MANE Select); coding-DNA position 67, C replaced by A.
Protein change: p.His23Asn; replaces histidine 23 with asparagine.
Molecular consequence: missense variant.
Genome position (GRCh38, 1-based): chr2:218,782,249, C>A. VCF-style: chr2-218782249-C-A. GRCh37 (hg19) VCF-style: chr2-219646972-C-A.
Other names: p.His23Asn; short protein forms H23N.
Identifiers: ClinVar variation 1755502 (VCV001755502.4), dbSNP rs1255948354, ClinGen allele CA350575694.